The following is an entry in ClinVar:

NM_033305.3(VPS13A):c.2676C>T (p.Ile892=)

Gene: VPS13A (vacuolar protein sorting 13 homolog A; plus strand). Cytogenetic location: 9q21.2.
Variant type: single nucleotide variant.
Coding change: c.2676C>T on transcript NM_033305.3 (MANE Select); coding-DNA position 2676, C replaced by T.
Protein change: p.Ile892=; no amino-acid change (isoleucine 892 retained).
Molecular consequence: synonymous variant.
Genome position (GRCh38, 1-based): chr9:77,276,073, C>T. VCF-style: chr9-77276073-C-T. GRCh37 (hg19) VCF-style: chr9-79890989-C-T.
Other names: c.2676C>T, p.Ile892= (NM_001018037.2, NM_001018038.3, NM_015186.4).
Identifiers: ClinVar variation 698770 (VCV000698770.11), dbSNP rs151122313, ClinGen allele CA5092020.

ClinVar aggregate classification (germline): Likely benign. Review status: criteria provided, single submitter (1 of 4 stars). 2 submissions from 2 submitters: Likely benign (1). 1 of the submissions does not count toward it. Last evaluated 2024-04-29.

Conditions:
VPS13A-related disorder. Also called: VPS13A-related condition.

Allele frequency attached by ClinVar (database versions not stated): ESP Exome Variant Server 0.00015; gnomAD exomes 0.00006 and 0.00004; gnomAD 0.00003; TOPMed 0.00003; ExAC 0.00004.
gnomAD v4.1: 86 of 1,611,666 alleles (0.0053%); highest among the groups gnomAD compares: Non-Finnish European, 0.0062%; no homozygotes.

Submissions (2):

Labcorp Genetics (formerly Invitae), Labcorp
Classification: Likely benign. Last evaluated: 2024-04-29. Review status: criteria provided, single submitter. Criteria: Invitae Variant Classification Sherloc (09022015). Collection method: clinical testing. Allele origin: germline.

PreventionGenetics, part of Exact Sciences
Classification: Likely benign for VPS13A-related condition. Last evaluated: 2019-06-17. Review status: no assertion criteria provided. Collection method: clinical testing. Allele origin: germline. Not counted in ClinVar's aggregate classification.
Comment: This variant is classified as likely benign based on ACMG/AMP sequence variant interpretation guidelines (Richards et al. 2015 PMID: 25741868, with internal and published modifications).